The following is an entry in ClinVar:

ClinVar aggregate classification (germline): Uncertain significance. Review status: criteria provided, multiple submitters, no conflicts (2 of 4 stars). 2 submissions from 2 submitters: Uncertain significance (2). Last evaluated 2025-09-15.

Conditions:
Inborn genetic diseases. Identifiers: MedGen C0950123, MeSH D030342.
MOGS-congenital disorder of glycosylation. Also called: MOGS-CDG; CDG IIb; GLUCOSIDASE I DEFICIENCY; CDG 2B. Identifiers: Orphanet 79330, MedGen C1853736, MONDO:0011629, OMIM 606056.

gnomAD v4.1: 38 of 1,614,064 alleles (0.0024%); highest among the groups gnomAD compares: Admixed American, 0.0067%; no homozygotes.

Submissions (2):

Labcorp Genetics (formerly Invitae), Labcorp
Classification: Uncertain significance for MOGS-congenital disorder of glycosylation. Last evaluated: 2025-09-15. Review status: criteria provided, single submitter. Criteria: Invitae Variant Classification Sherloc (09022015). Collection method: clinical testing. Allele origin: germline.
Comment: This sequence change replaces threonine, which is neutral and polar, with isoleucine, which is neutral and non-polar, at codon 197 of the MOGS protein (p.Thr197Ile). This variant is present in population databases (no rsID available, gnomAD 0.006%). This variant has not been reported in the literature in individuals affected with MOGS-related conditions. Invitae Evidence Modeling of protein sequence and biophysical properties (such as structural, functional, and spatial information, amino acid conservation, physicochemical variation, residue mobility, and thermodynamic stability) indicates that this missense variant is not expected to disrupt MOGS protein function with a negative predictive value of 80%. In summary, the available evidence is currently insufficient to determine the role of this variant in disease. Therefore, it has been classified as a Variant of Uncertain Significance.

Ambry Genetics
Classification: Uncertain significance for Inborn genetic diseases. Last evaluated: 2025-08-31. Review status: criteria provided, single submitter. Criteria: Ambry Variant Classification Scheme 2023. Collection method: clinical testing. Allele origin: germline.

NM_006302.3(MOGS):c.590C>T (p.Thr197Ile)

Gene: MOGS (mannosyl-oligosaccharide glucosidase; minus strand). Cytogenetic location: 2p13.1.
Variant type: single nucleotide variant.
Coding change: c.590C>T on transcript NM_006302.3 (MANE Select); coding-DNA position 590, C replaced by T.
Protein change: p.Thr197Ile; replaces threonine 197 with isoleucine.
Molecular consequence: missense variant.
Genome position (GRCh38, 1-based): chr2:74,463,376, G>A on the plus strand (C>T on the coding strand, the complement: MOGS is on the minus strand). VCF-style: chr2-74463376-G-A. GRCh37 (hg19) VCF-style: chr2-74690503-G-A.
Other names: c.272C>T, p.Thr91Ile (NM_001146158.2); short protein forms T197I, T91I.
Identifiers: ClinVar variation 4109489 (VCV004109489.2).